The following is an entry in ClinVar:

NM_000069.3(CACNA1S):c.3707G>A (p.Arg1236His)

Gene: CACNA1S (calcium voltage-gated channel subunit alpha1 S; minus strand). Cytogenetic location: 1q32.1.
Variant type: single nucleotide variant.
Coding change: c.3707G>A on transcript NM_000069.3 (MANE Select); coding-DNA position 3707, G replaced by A.
Protein change: p.Arg1236His; replaces arginine 1236 with histidine.
Molecular consequence: missense variant.
Genome position (GRCh38, 1-based): chr1:201,053,547, C>T on the plus strand (G>A on the coding strand, the complement: CACNA1S is on the minus strand). VCF-style: chr1-201053547-C-T. GRCh37 (hg19) VCF-style: chr1-201022675-C-T.
Other names: short protein forms R1236H.
Identifiers: ClinVar variation 2930238 (VCV002930238.3), dbSNP rs540779685, ClinGen allele CA36002771.

ClinVar aggregate classification (germline): Uncertain significance (1 of 4 stars; one submission).

Conditions:
Malignant hyperthermia, susceptibility to, 5 (MHS5). Also called: CACNA1S-Related Malignant Hyperthermia Susceptibility. Identifiers: Orphanet 423, MedGen C1866077, MONDO:0011163, OMIM 601887.
Hypokalemic periodic paralysis, type 1. Also called: Hypokalemic Periodic Paralysis Type 1 (AD); HypoPP. Identifiers: Orphanet 681, MedGen C3714580, MONDO:0042979, OMIM 170400.

Allele frequency attached by ClinVar (database versions not stated): gnomAD exomes below 0.00001; TOPMed below 0.00001.
gnomAD v4.1: 2 of 1,613,898 alleles (0.00012%); highest among the groups gnomAD compares: Non-Finnish European, 0.00017%; no homozygotes.

Submission:

Labcorp Genetics (formerly Invitae), Labcorp
Classification: Uncertain significance for Hypokalemic periodic paralysis, type 1; Malignant hyperthermia, susceptibility to, 5. Last evaluated: 2023-07-07. Review status: criteria provided, single submitter. Criteria: Invitae Variant Classification Sherloc (09022015). Collection method: clinical testing. Allele origin: germline.
Comment: This sequence change replaces arginine, which is basic and polar, with histidine, which is basic and polar, at codon 1236 of the CACNA1S protein (p.Arg1236His). This variant is not present in population databases (gnomAD no frequency). This variant has not been reported in the literature in individuals affected with CACNA1S-related conditions. Advanced modeling of protein sequence and biophysical properties (such as structural, functional, and spatial information, amino acid conservation, physicochemical variation, residue mobility, and thermodynamic stability) performed at Invitae indicates that this missense variant is expected to disrupt CACNA1S protein function. In summary, the available evidence is currently insufficient to determine the role of this variant in disease. Therefore, it has been classified as a Variant of Uncertain Significance.